The following is an entry in ClinVar:

ClinVar aggregate classification (germline): Uncertain significance (1 of 4 stars; one submission).

Conditions:
Cardiomyopathy (CMYO). Also called: Cardiomyopathies. Identifiers: Orphanet 167848, MedGen C0878544, MONDO:0004994, HP:0001638. Inheritance: Various modes of inheritance.

Submission:

Color Diagnostics, LLC DBA Color Health
Classification: Uncertain significance for Cardiomyopathy. Last evaluated: 2024-03-06. Review status: criteria provided, single submitter. Criteria: ACMG Guidelines, 2015. Collection method: clinical testing. Allele origin: germline.
Comment: This missense variant replaces asparagine with lysine at codon 805 of the PKP2 protein. Computational prediction suggests that this variant may not impact protein structure and function (internally defined REVEL score threshold <= 0.5, PMID: 27666373). To our knowledge, functional studies have not been reported for this variant. This variant has not been reported in individuals affected with cardiovascular disorders in the literature. This variant has not been identified in the general population by the Genome Aggregation Database (gnomAD). The available evidence is insufficient to determine the role of this variant in disease conclusively. Therefore, this variant is classified as a Variant of Uncertain Significance.

NM_001005242.3(PKP2):c.2283C>G (p.Asn761Lys)

Gene: PKP2 (plakophilin 2; minus strand). Cytogenetic location: 12p11.21.
Variant type: single nucleotide variant.
Coding change: c.2283C>G on transcript NM_001005242.3 (MANE Select); coding-DNA position 2283, C replaced by G.
Protein change: p.Asn761Lys; replaces asparagine 761 with lysine.
Molecular consequence: missense variant.
Genome position (GRCh38, 1-based): chr12:32,796,183, G>C on the plus strand (C>G on the coding strand, the complement: PKP2 is on the minus strand). VCF-style: chr12-32796183-G-C. GRCh37 (hg19) VCF-style: chr12-32949117-G-C.
Other names: c.2415C>G, p.Asn805Lys (NM_004572.4); short protein forms N761K, N805K.
Identifiers: ClinVar variation 1171310 (VCV001171310.3), dbSNP rs774405490, ClinGen allele CA384357732.